The following is an entry in ClinVar:

NM_001042492.3(NF1):c.6295C>G (p.His2099Asp)

Gene: NF1 (neurofibromin 1; plus strand). Cytogenetic location: 17q11.2.
Variant type: single nucleotide variant.
Coding change: c.6295C>G on transcript NM_001042492.3 (MANE Select); coding-DNA position 6295, C replaced by G.
Protein change: p.His2099Asp; replaces histidine 2099 with aspartic acid.
Molecular consequence: missense variant.
Genome position (GRCh38, 1-based): chr17:31,336,782, C>G. VCF-style: chr17-31336782-C-G. GRCh37 (hg19) VCF-style: chr17-29663800-C-G.
Other names: c.6232C>G, p.His2078Asp (NM_000267.4); short protein forms H2078D, H2099D.
Identifiers: ClinVar variation 1752346 (VCV001752346.4), dbSNP rs1060500382, ClinGen allele CA399012228.
Genomic context (GRCh38, chr17:31,336,782, plus strand): 5'-GCTATTTTAGCACGCTACATGCTGATGCTGTCCTTCAACAATTCCCTTGATGTGGCAGCT[C>G]ATCTTCCCTACCTCTTCCACGTTGTTACTTTCTTAGTAGCCACAGGTCCGCTCTCCCTTA-3'
Protein context (NP_001035957.1, residues 2089-2109): SFNNSLDVAA[His2099Asp]LPYLFHVVTF

ClinVar aggregate classification (germline): Uncertain significance. Review status: criteria provided, multiple submitters, no conflicts (2 of 4 stars). 2 submissions from 2 submitters: Uncertain significance (2). Last evaluated 2024-08-22.

Conditions:
Cardiovascular phenotype. Identifiers: MedGen CN230736.
Hereditary cancer-predisposing syndrome. Also called: Neoplastic Syndromes, Hereditary; Tumor predisposition; Hereditary neoplastic syndrome; Hereditary Cancer Syndrome. Identifiers: Orphanet 140162, MedGen C0027672, MeSH D009386, MONDO:0015356.
Neurofibromatosis, type 1 (NF1). Also called: Peripheral type neurofibromatosis; VON RECKLINGHAUSEN DISEASE; NEUROFIBROMATOSIS, TYPE I, SOMATIC; Neurofibromatosis, type I. Identifiers: Orphanet 636, MedGen C0027831, MONDO:0018975, OMIM 162200. Disease mechanism: loss of function.

Submissions (2):

Labcorp Genetics (formerly Invitae), Labcorp
Classification: Uncertain significance for Neurofibromatosis, type 1. Last evaluated: 2024-08-22. Review status: criteria provided, single submitter. Criteria: Invitae Variant Classification Sherloc (09022015). Collection method: clinical testing. Allele origin: germline.
Comment: This sequence change replaces histidine, which is basic and polar, with aspartic acid, which is acidic and polar, at codon 2078 of the NF1 protein (p.His2078Asp). This variant is not present in population databases (gnomAD no frequency). This variant has not been reported in the literature in individuals affected with NF1-related conditions. ClinVar contains an entry for this variant (Variation ID: 1752346). Invitae Evidence Modeling of protein sequence and biophysical properties (such as structural, functional, and spatial information, amino acid conservation, physicochemical variation, residue mobility, and thermodynamic stability) indicates that this missense variant is expected to disrupt NF1 protein function with a positive predictive value of 95%. In summary, the available evidence is currently insufficient to determine the role of this variant in disease. Therefore, it has been classified as a Variant of Uncertain Significance.

Ambry Genetics
Classification: Uncertain significance for Cardiovascular phenotype; Hereditary cancer-predisposing syndrome. Last evaluated: 2019-12-23. Review status: criteria provided, single submitter. Criteria: Ambry Variant Classification Scheme 2023. Collection method: clinical testing. Allele origin: germline.
Comment: The p.H2078D variant (also known as c.6232C>G), located in coding exon 41 of the NF1 gene, results from a C to G substitution at nucleotide position 6232. The histidine at codon 2078 is replaced by aspartic acid, an amino acid with similar properties. This amino acid position is highly conserved in available vertebrate species. In addition, this alteration is predicted to be deleterious by in silico analysis. Since supporting evidence is limited at this time, the clinical significance of this alteration remains unclear.